The following is an entry in ClinVar:

NM_000158.4(GBE1):c.1112A>G (p.Gln371Arg)

Gene: GBE1 (1,4-alpha-glucan branching enzyme 1; minus strand). Cytogenetic location: 3p12.2.
Variant type: single nucleotide variant.
Coding change: c.1112A>G on transcript NM_000158.4 (MANE Select); coding-DNA position 1112, A replaced by G.
Protein change: p.Gln371Arg; replaces glutamine 371 with arginine.
Molecular consequence: missense variant.
Genome position (GRCh38, 1-based): chr3:81,591,161, T>C on the plus strand (A>G on the coding strand, the complement: GBE1 is on the minus strand). VCF-style: chr3-81591161-T-C. GRCh37 (hg19) VCF-style: chr3-81640312-T-C.
Other names: short protein forms Q371R.
Identifiers: ClinVar variation 2167794 (VCV002167794.1), dbSNP rs1240721262, ClinGen allele CA353685691.

ClinVar aggregate classification (germline): Uncertain significance (1 of 4 stars; one submission).

Conditions:
Glycogen storage disease IV, classic hepatic. Also called: GSD IV, CLASSIC HEPATIC. Identifiers: MedGen C1856301.
Glycogen storage disease, type IV (GSD4). Also called: BRANCHER DEFICIENCY; CIRRHOSIS, FAMILIAL, WITH DEPOSITION OF ABNORMAL GLYCOGEN; AMYLOPECTINOSIS; ANDERSEN DISEASE; Glycogen storage disease due to glycogen branching enzyme deficiency; GBE1 DEFICIENCY. Identifiers: Orphanet 367, MedGen C0017923, MONDO:0009292, OMIM 232500.

Allele frequency attached by ClinVar (database versions not stated): gnomAD exomes below 0.00001; TOPMed below 0.00001.
gnomAD v4.1: 1 of 1,596,808 alleles (0.000063%); highest among the groups gnomAD compares: Non-Finnish European, 0.000085%; no homozygotes.

Submission:

Labcorp Genetics (formerly Invitae), Labcorp
Classification: Uncertain significance for Glycogen storage disease, type IV; Glycogen storage disease IV, classic hepatic. Last evaluated: 2022-02-20. Review status: criteria provided, single submitter. Criteria: Invitae Variant Classification Sherloc (09022015). Collection method: clinical testing. Allele origin: germline.
Comment: This sequence change replaces glutamine, which is neutral and polar, with arginine, which is basic and polar, at codon 371 of the GBE1 protein (p.Gln371Arg). This variant is not present in population databases (gnomAD no frequency). This variant has not been reported in the literature in individuals affected with GBE1-related conditions. Advanced modeling of protein sequence and biophysical properties (such as structural, functional, and spatial information, amino acid conservation, physicochemical variation, residue mobility, and thermodynamic stability) performed at Invitae indicates that this missense variant is not expected to disrupt GBE1 protein function. In summary, the available evidence is currently insufficient to determine the role of this variant in disease. Therefore, it has been classified as a Variant of Uncertain Significance.